The following is an entry in ClinVar:

NM_000435.3(NOTCH3):c.6222G>A (p.Pro2074=)

Gene: NOTCH3 (notch receptor 3; minus strand). Cytogenetic location: 19p13.12.
Variant type: single nucleotide variant.
Coding change: c.6222G>A on transcript NM_000435.3 (MANE Select); coding-DNA position 6222, G replaced by A.
Protein change: p.Pro2074=; no amino-acid change (proline 2074 retained).
Molecular consequence: synonymous variant.
Genome position (GRCh38, 1-based): chr19:15,161,406, C>T on the plus strand (G>A on the coding strand, the complement: NOTCH3 is on the minus strand). VCF-style: chr19-15161406-C-T. GRCh37 (hg19) VCF-style: chr19-15272217-C-T.
Identifiers: ClinVar variation 4682431 (VCV004682431.2).

ClinVar aggregate classification (germline): Benign/Likely benign. Review status: criteria provided, multiple submitters, no conflicts (2 of 4 stars). 2 submissions from 2 submitters: Benign (1); Likely benign (1). Last evaluated 2025-08-15.

gnomAD v4.1: 175 of 1,523,816 alleles (0.011%); highest among the groups gnomAD compares: South Asian, 0.12%; 1 homozygote.

Submissions (2):

Athena Diagnostics
Classification: Benign. Last evaluated: 2025-08-15. Review status: criteria provided, single submitter. Criteria: Athena Diagnostics Criteria. Collection method: clinical testing. Allele origin: unknown.
Comment: The frequency of this variant in the general population is higher than would generally be expected for pathogenic variants in this gene. Computational tools yielded predictions that this variant is unlikely to have an effect on normal RNA splicing. This nucleotide position exhibits low evolutionary conservation.

Blueprint Genetics
Classification: Likely benign. Last evaluated: 2024-09-12. Review status: criteria provided, single submitter. Criteria: ACMG Guidelines, 2015. Collection method: clinical testing. Allele origin: germline.